The following is an entry in ClinVar:

ClinVar aggregate classification (germline): Likely benign. Review status: criteria provided, multiple submitters, no conflicts (2 of 4 stars). 2 submissions from 2 submitters: Likely benign (2). Last evaluated 2026-03-01.

Submissions (2):

CeGaT Center for Human Genetics Tuebingen
Classification: Likely benign. Last evaluated: 2026-03-01. Review status: criteria provided, single submitter. Criteria: CeGaT Center For Human Genetics Tuebingen Variant Classification Criteria Version 2. Collection method: clinical testing. Allele origin: germline. Affected: yes. Observed: 1 variant allele.
Comment: SON: BP4, BP7

Labcorp Genetics (formerly Invitae), Labcorp
Classification: Likely benign. Last evaluated: 2026-01-12. Review status: criteria provided, single submitter. Criteria: Invitae Variant Classification Sherloc (09022015). Collection method: clinical testing. Allele origin: germline.

NM_138927.4(SON):c.2370T>C (p.Thr790=)

Gene: SON (SON DNA and RNA binding protein; plus strand). Cytogenetic location: 21q22.11.
Variant type: single nucleotide variant.
Coding change: c.2370T>C on transcript NM_138927.4 (MANE Select); coding-DNA position 2370, T replaced by C.
Protein change: p.Thr790=; no amino-acid change (threonine 790 retained).
Molecular consequence: synonymous variant. On other transcripts: non-coding transcript variant (1), intron variant (1).
Genome position (GRCh38, 1-based): chr21:33,551,601, T>C. VCF-style: chr21-33551601-T-C. GRCh37 (hg19) VCF-style: chr21-34923907-T-C.
Other names: c.2370T>C, p.Thr790= (NM_001291411.2, NM_032195.3); c.244+5222T>C (NM_001291412.3).
Identifiers: ClinVar variation 4801764 (VCV004801764.5).